The following is an entry in ClinVar:

NM_019032.6(ADAMTSL4):c.2559+9G>A

Gene: ADAMTSL4 (ADAMTS like 4; plus strand). Cytogenetic location: 1q21.2.
Variant type: single nucleotide variant.
Coding change: c.2559+9G>A on transcript NM_019032.6 (MANE Select); 9 bases into the intron after coding-DNA position 2559, G replaced by A.
Molecular consequence: intron variant. On other transcripts: synonymous variant (1).
Genome position (GRCh38, 1-based): chr1:150,558,658, G>A. VCF-style: chr1-150558658-G-A. GRCh37 (hg19) VCF-style: chr1-150531134-G-A.
Other names: c.2568G>A (NM_025008.4); c.2568G>A, p.Pro856= (NM_025008.5); c.2628+9G>A (NM_001288608.2); c.2442+9G>A (NM_001288607.2); c.2559+9G>A (NM_001378596.1).
Identifiers: ClinVar variation 292555 (VCV000292555.16), dbSNP rs12049100, ClinGen allele CA1078722.

ClinVar aggregate classification (germline): Conflicting classifications of pathogenicity. Review status: criteria provided, conflicting classifications (1 of 4 stars). 5 submissions from 5 submitters: Uncertain significance (2); Benign (1); Likely benign (2). Last evaluated 2026-02-03.

Conditions:
ADAMTSL4-related disorder. Also called: ADAMTSL4-related condition; ADAMTSL4-Related Disorders.
Ectopia lentis et pupillae. Also called: ECTOPIA LENTIS WITH ECTOPIA OF PUPIL. Identifiers: Orphanet 1885, MedGen C1644196, MONDO:0009153, OMIM 225200.
Ectopia lentis 2, isolated, autosomal recessive (ECTOL2). Identifiers: Orphanet 1885, MedGen C3541474, MONDO:0009152, OMIM 225100.

Allele frequency attached by ClinVar (database versions not stated): 1000 Genomes Project 30x 0.00031; gnomAD 0.00033 and 0.00034; ExAC 0.00039; 1000 Genomes Project 0.00040; gnomAD exomes 0.00040; TOPMed 0.00040; ESP Exome Variant Server 0.00054.

Submissions (5):

Labcorp Genetics (formerly Invitae), Labcorp
Classification: Benign. Last evaluated: 2026-02-03. Review status: criteria provided, single submitter. Criteria: Invitae Variant Classification Sherloc (09022015). Collection method: clinical testing. Allele origin: germline.

PreventionGenetics, part of Exact Sciences
Classification: Likely benign for ADAMTSL4-related condition. Last evaluated: 2025-07-09. Review status: criteria provided, single submitter. Criteria: ACMG Guidelines, 2015. Collection method: clinical testing. Allele origin: germline.
Comment: This variant is classified as likely benign based on ACMG/AMP sequence variant interpretation guidelines (Richards et al. 2015 PMID: 25741868, with internal and published modifications).

Blueprint Genetics
Classification: Likely benign. Last evaluated: 2024-11-15. Review status: criteria provided, single submitter. Criteria: ACMG Guidelines, 2015. Collection method: clinical testing. Allele origin: germline.

Illumina Laboratory Services, Illumina
Classification: Uncertain significance for Ectopia lentis 2, isolated, autosomal recessive. Last evaluated: 2018-01-12. Review status: criteria provided, single submitter. Criteria: ICSL Variant Classification Criteria 13 December 2019. Collection method: clinical testing. Allele origin: germline.

Center for Genomics, Ann and Robert H. Lurie Children's Hospital of Chicago
Classification: Uncertain significance for Ectopia lentis et pupillae; Ectopia lentis 2, isolated, autosomal recessive. Review status: criteria provided, single submitter. Criteria: ACMG Guidelines, 2015. Collection method: clinical testing. Allele origin: germline.
Comment: This variant has not been reported in the literature but is present in 0.08% (35/41396) of African/African American alleles in the Genome Aggregation Database. This variant is also present in ClinVar (Variation ID:292555). Although this variant occurs in the splice region, computational predictive tools do not suggest that it alters splicing. However, further studies are needed to understand its impact. In summary, data on this variant is insufficient for disease classification. Therefore, the clinical significance of this variant is uncertain.